The following is an entry in ClinVar:

ClinVar aggregate classification (germline): Uncertain significance (1 of 4 stars; one submission).

Conditions:
Carnitine palmitoyltransferase II deficiency. Also called: Carnitine Palmitoyltransferase 2 Deficiency. Identifiers: Orphanet 157, MedGen C0342790, MONDO:0015515.

Submission:

Labcorp Genetics (formerly Invitae), Labcorp
Classification: Uncertain significance for Carnitine palmitoyltransferase II deficiency. Last evaluated: 2022-06-03. Review status: criteria provided, single submitter. Criteria: Invitae Variant Classification Sherloc (09022015). Collection method: clinical testing. Allele origin: germline.
Comment: This sequence change replaces valine, which is neutral and non-polar, with alanine, which is neutral and non-polar, at codon 256 of the CPT2 protein (p.Val256Ala). This variant is not present in population databases (gnomAD no frequency). This variant has not been reported in the literature in individuals affected with CPT2-related conditions. ClinVar contains an entry for this variant (Variation ID: 970112). Advanced modeling of protein sequence and biophysical properties (such as structural, functional, and spatial information, amino acid conservation, physicochemical variation, residue mobility, and thermodynamic stability) performed at Invitae indicates that this missense variant is not expected to disrupt CPT2 protein function. In summary, the available evidence is currently insufficient to determine the role of this variant in disease. Therefore, it has been classified as a Variant of Uncertain Significance.

NM_000098.3(CPT2):c.767T>C (p.Val256Ala)

Gene: CPT2 (carnitine palmitoyltransferase 2; plus strand). Cytogenetic location: 1p32.3.
Variant type: single nucleotide variant.
Coding change: c.767T>C on transcript NM_000098.3 (MANE Select); coding-DNA position 767, T replaced by C.
Protein change: p.Val256Ala; replaces valine 256 with alanine.
Molecular consequence: missense variant.
Genome position (GRCh38, 1-based): chr1:53,210,441, T>C. VCF-style: chr1-53210441-T-C. GRCh37 (hg19) VCF-style: chr1-53676113-T-C.
Other names: c.767T>C, p.Val256Ala (NM_001330589.2); short protein forms V256A.
Identifiers: ClinVar variation 970112 (VCV000970112.7), dbSNP rs373918498, ClinGen allele CA340393636.